The following is an entry in ClinVar:

NC_000001.10:g.(?_243456373)_(243456541_?)del

Gene: SDCCAG8 (SHH signaling and ciliogenesis regulator SDCCAG8; plus strand). Cytogenetic location: 1q43.
Variant type: Deletion.
Identifiers: ClinVar variation 2425629 (VCV002425629.4).

ClinVar aggregate classification (germline): Uncertain significance (1 of 4 stars; one submission).

Conditions:
Senior-Loken syndrome 7 (SLSN7). Identifiers: Orphanet 3156, MedGen C3150877, MONDO:0013326, OMIM 613615.
Bardet-Biedl syndrome 16 (BBS16). Identifiers: Orphanet 110, MedGen C3889474, MONDO:0014444, OMIM 615993.

Submission:

Labcorp Genetics (formerly Invitae), Labcorp
Classification: Uncertain significance for Bardet-Biedl syndrome 16; Senior-Loken syndrome 7. Last evaluated: 2022-02-09. Review status: criteria provided, single submitter. Criteria: Invitae Variant Classification Sherloc (09022015). Collection method: clinical testing. Allele origin: germline.
Comment: In summary, the available evidence is currently insufficient to determine the role of this variant in disease. Therefore, it has been classified as a Variant of Uncertain Significance. Experimental studies and prediction algorithms are not available or were not evaluated, and the functional significance of this variant is currently unknown. This variant has not been reported in the literature in individuals affected with SDCCAG8-related conditions. This variant is a gross deletion of the genomic region encompassing exon(s) 6 of the SDCCAG8 gene. This variant would be expected to be in-frame, preserving the integrity of the reading frame.